The following is an entry in ClinVar:

NM_015512.5(DNAH1):c.2683A>G (p.Met895Val)

Gene: DNAH1 (dynein axonemal heavy chain 1; plus strand). Cytogenetic location: 3p21.1.
Variant type: single nucleotide variant.
Coding change: c.2683A>G on transcript NM_015512.5 (MANE Select); coding-DNA position 2683, A replaced by G.
Protein change: p.Met895Val; replaces methionine 895 with valine.
Molecular consequence: missense variant.
Genome position (GRCh38, 1-based): chr3:52,350,544, A>G. VCF-style: chr3-52350544-A-G. GRCh37 (hg19) VCF-style: chr3-52384560-A-G.
Other names: short protein forms M895V.
Identifiers: ClinVar variation 478432 (VCV000478432.5), dbSNP rs763268455, ClinGen allele CA2433342.

ClinVar aggregate classification (germline): Uncertain significance (1 of 4 stars; one submission).

Conditions:
Spermatogenic failure 18. Identifiers: MedGen C4539783, MONDO:0054615, OMIM 617576.
Ciliary dyskinesia, primary, 37 (CILD37). Also called: CILIARY DYSKINESIA, PRIMARY, 37, WITH OR WITHOUT SITUS INVERSUS. Identifiers: MedGen C4539798, MONDO:0033204, OMIM 617577.

Allele frequency attached by ClinVar (database versions not stated): gnomAD exomes 0.00001; TOPMed 0.00001; ExAC 0.00003; gnomAD 0.00003.
gnomAD v4.1: 8 of 1,613,862 alleles (0.0005%); highest among the groups gnomAD compares: African/African-American, 0.0053%; no homozygotes.

Submission:

Labcorp Genetics (formerly Invitae), Labcorp
Classification: Uncertain significance for Ciliary dyskinesia, primary, 37; Spermatogenic failure 18. Last evaluated: 2022-06-13. Review status: criteria provided, single submitter. Criteria: Invitae Variant Classification Sherloc (09022015). Collection method: clinical testing. Allele origin: germline.
Comment: In summary, the available evidence is currently insufficient to determine the role of this variant in disease. Therefore, it has been classified as a Variant of Uncertain Significance. Algorithms developed to predict the effect of missense changes on protein structure and function (SIFT, PolyPhen-2, Align-GVGD) all suggest that this variant is likely to be tolerated. ClinVar contains an entry for this variant (Variation ID: 478432). This variant has not been reported in the literature in individuals affected with DNAH1-related conditions. This variant is present in population databases (rs763268455, gnomAD 0.003%). This sequence change replaces methionine, which is neutral and non-polar, with valine, which is neutral and non-polar, at codon 895 of the DNAH1 protein (p.Met895Val).